The following is an entry in ClinVar:

NM_000038.6(APC):c.6962T>C (p.Ile2321Thr)

Gene: APC (APC regulator of Wnt signaling pathway; plus strand). Cytogenetic location: 5q22.2.
Variant type: single nucleotide variant.
Coding change: c.6962T>C on transcript NM_000038.6 (MANE Select); coding-DNA position 6962, T replaced by C.
Protein change: p.Ile2321Thr; replaces isoleucine 2321 with threonine.
Molecular consequence: missense variant.
Genome position (GRCh38, 1-based): chr5:112,842,556, T>C. VCF-style: chr5-112842556-T-C. GRCh37 (hg19) VCF-style: chr5-112178253-T-C.
Other names: c.6962T>C, p.Ile2321Thr (NM_001127510.3, NM_001354895.2, NM_001407450.1); c.6908T>C, p.Ile2303Thr (NM_001127511.3); c.7016T>C, p.Ile2339Thr (NM_001354896.2, NM_001407447.1, NM_001407448.1 and 1 more transcripts); c.6992T>C, p.Ile2331Thr (NM_001354897.2); c.6887T>C, p.Ile2296Thr (NM_001354898.2); c.6878T>C, p.Ile2293Thr (NM_001354899.2); c.6839T>C, p.Ile2280Thr (NM_001354900.2); c.6785T>C, p.Ile2262Thr (NM_001354901.2, NM_001407453.1); and 11 more; short protein forms I2161T, I2230T, I2331T, I2339T, I2192T, I2238T, I2038T, I2220T.
Identifiers: ClinVar variation 1756338 (VCV001756338.2), dbSNP rs2149977189, ClinGen allele CA16036515.

ClinVar aggregate classification (germline): Uncertain significance (1 of 4 stars; one submission).

Conditions:
Hereditary cancer-predisposing syndrome. Also called: Neoplastic Syndromes, Hereditary; Tumor predisposition; Hereditary Cancer Syndrome; Hereditary neoplastic syndrome. Identifiers: Orphanet 140162, MedGen C0027672, MeSH D009386, MONDO:0015356.

Submission:

Ambry Genetics
Classification: Uncertain significance for Hereditary cancer-predisposing syndrome. Last evaluated: 2021-11-17. Review status: criteria provided, single submitter. Criteria: Ambry Variant Classification Scheme 2023. Collection method: clinical testing. Allele origin: germline.
Comment: The p.I2321T variant (also known as c.6962T>C), located in coding exon 15 of the APC gene, results from a T to C substitution at nucleotide position 6962. The isoleucine at codon 2321 is replaced by threonine, an amino acid with similar properties. This amino acid position is poorly conserved in available vertebrate species. In addition, in silico predictors for this gene do not accurately predict pathogenicity. Since supporting evidence is limited at this time, the clinical significance of this alteration remains unclear.